The following is an entry in ClinVar:

ClinVar aggregate classification (germline): Uncertain significance (1 of 4 stars; one submission).

Conditions:
Intellectual disability, autosomal recessive 53 (NEDHSCA). Also called: Mental retardation, autosomal recessive 53; GLYCOSYLPHOSPHATIDYLINOSITOL BIOSYNTHESIS DEFECT 13; NEURODEVELOPMENTAL DISORDER WITH OR WITHOUT HYPOTONIA, SEIZURES, AND CEREBELLAR ATROPHY. Identifiers: Orphanet 488635, MedGen C4310794, MONDO:0014832, OMIM 616917.

Allele frequency attached by ClinVar (database versions not stated): gnomAD exomes below 0.00001 and 0.00001; gnomAD 0.00001; ESP Exome Variant Server 0.00008.
gnomAD v4.1: 15 of 1,613,174 alleles (0.00093%); highest among the groups gnomAD compares: Middle Eastern, 0.016%; no homozygotes.

Submission:

Labcorp Genetics (formerly Invitae), Labcorp
Classification: Uncertain significance for Intellectual disability, autosomal recessive 53. Last evaluated: 2022-09-01. Review status: criteria provided, single submitter. Criteria: Invitae Variant Classification Sherloc (09022015). Collection method: clinical testing. Allele origin: germline.
Comment: This sequence change replaces glutamine, which is neutral and polar, with glutamic acid, which is acidic and polar, at codon 363 of the PIGG protein (p.Gln363Glu). This variant is present in population databases (rs144029286, gnomAD 0.0009%). This variant has not been reported in the literature in individuals affected with PIGG-related conditions. ClinVar contains an entry for this variant (Variation ID: 1440065). Algorithms developed to predict the effect of missense changes on protein structure and function (SIFT, PolyPhen-2, Align-GVGD) all suggest that this variant is likely to be tolerated. In summary, the available evidence is currently insufficient to determine the role of this variant in disease. Therefore, it has been classified as a Variant of Uncertain Significance.

NM_001127178.3(PIGG):c.1087C>G (p.Gln363Glu)

Gene: PIGG (phosphatidylinositol glycan anchor biosynthesis class G (EMM blood group); plus strand). Cytogenetic location: 4p16.3.
Variant type: single nucleotide variant.
Coding change: c.1087C>G on transcript NM_001127178.3 (MANE Select); coding-DNA position 1087, C replaced by G.
Protein change: p.Gln363Glu; replaces glutamine 363 with glutamic acid.
Molecular consequence: missense variant. On other transcripts: 5 prime UTR variant (3), non-coding transcript variant (10).
Genome position (GRCh38, 1-based): chr4:516,158, C>G. VCF-style: chr4-516158-C-G. GRCh37 (hg19) VCF-style: chr4-509947-C-G.
Other names: c.820C>G, p.Gln274Glu (NM_001289051.2, NM_001289053.2, NM_001289057.2 and 2 more transcripts); c.688C>G, p.Gln230Glu (NM_001289052.2); c.721C>G, p.Gln241Glu (NM_001289055.2); c.58C>G, p.Gln20Glu (NM_001345988.2); c.1087C>G, p.Gln363Glu (NM_001345989.2, NM_017733.5); c.-539C>G (NM_001345990.2); c.-401C>G (NM_001345991.2); c.-126C>G (NM_001345994.2); short protein forms Q274E, Q241E, Q20E, Q230E, Q363E.
Identifiers: ClinVar variation 1440065 (VCV001440065.5), dbSNP rs144029286, ClinGen allele CA91057139.
Genomic context (GRCh38, chr4:516,158, plus strand): 5'-CCAATGAGAGAGCAGTTGAGATTTTTACATTTGAATACAGTGCAGCTTAGTAAACTGTTG[C>G]AAGAGAATGTGCCGTCATATGAAAAAGGTCAGTCAACTCACCGTTTCGAGCTCTGTCAGA-3'
Protein context (NP_001120650.1, residues 353-373): LNTVQLSKLL[Gln363Glu]ENVPSYEKDP